The following is an entry in ClinVar:

ClinVar aggregate classification (germline): Likely pathogenic (1 of 4 stars; one submission).

Allele frequency attached by ClinVar (database versions not stated): gnomAD exomes below 0.00001; gnomAD 0.00001.
gnomAD v4.1: 7 of 1,521,490 alleles (0.00046%); highest among the groups gnomAD compares: Non-Finnish European, 0.00062%; no homozygotes.

Submission:

Labcorp Genetics (formerly Invitae), Labcorp
Classification: Likely pathogenic. Last evaluated: 2023-02-14. Review status: criteria provided, single submitter. Criteria: Invitae Variant Classification Sherloc (09022015). Collection method: clinical testing. Allele origin: germline.
Comment: This sequence change affects a donor splice site in intron 20 of the EYS gene. It is expected to disrupt RNA splicing. Variants that disrupt the donor or acceptor splice site typically lead to a loss of protein function (PMID: 16199547), and loss-of-function variants in EYS are known to be pathogenic (PMID: 18836446, 20333770). This variant is not present in population databases (gnomAD no frequency). Disruption of this splice site has been observed in individual(s) with retinitis pigmentosa (PMID: 33576794). Algorithms developed to predict the effect of sequence changes on RNA splicing suggest that this variant may disrupt the consensus splice site. In summary, the currently available evidence indicates that the variant is pathogenic, but additional data are needed to prove that conclusively. Therefore, this variant has been classified as Likely Pathogenic.

Literature cited by the submitters: PubMed 16199547; PubMed 18836446; PubMed 20333770; PubMed 33576794.

NM_001142800.2(EYS):c.3164+2T>C

Gene: EYS (EGF-like photoreceptor maintenance factor; minus strand). Cytogenetic location: 6q12.
Variant type: single nucleotide variant.
Coding change: c.3164+2T>C on transcript NM_001142800.2 (MANE Select); the canonical splice donor site of the intron after coding-DNA position 3164, T replaced by C.
Molecular consequence: splice donor variant.
Genome position (GRCh38, 1-based): chr6:64,822,649, A>G on the plus strand (T>C on the coding strand, the complement: EYS is on the minus strand). VCF-style: chr6-64822649-A-G. GRCh37 (hg19) VCF-style: chr6-65532542-A-G.
Other names: c.3164+2T>C (NM_001292009.2).
Identifiers: ClinVar variation 2854418 (VCV002854418.3), dbSNP rs1764934229, ClinGen allele CA364787325.